The following is an entry in ClinVar:

NM_004369.4(COL6A3):c.8201G>A (p.Arg2734Gln)

Gene: COL6A3 (collagen type VI alpha 3 chain; minus strand). Cytogenetic location: 2q37.3.
Variant type: single nucleotide variant.
Coding change: c.8201G>A on transcript NM_004369.4 (MANE Select); coding-DNA position 8201, G replaced by A.
Protein change: p.Arg2734Gln; replaces arginine 2734 with glutamine.
Molecular consequence: missense variant.
Genome position (GRCh38, 1-based): chr2:237,340,715, C>T on the plus strand (G>A on the coding strand, the complement: COL6A3 is on the minus strand). VCF-style: chr2-237340715-C-T. GRCh37 (hg19) VCF-style: chr2-238249358-C-T.
Other names: c.6380G>A, p.Arg2127Gln (NM_057166.5); c.7583G>A, p.Arg2528Gln (NM_057167.4); short protein forms R2734Q, R2127Q, R2528Q.
Identifiers: ClinVar variation 476560 (VCV000476560.13), dbSNP rs115116398, ClinGen allele CA2187602.

ClinVar aggregate classification (germline): Conflicting classifications of pathogenicity. Review status: criteria provided, conflicting classifications (1 of 4 stars). 4 submissions from 4 submitters: Uncertain significance (3); Likely benign (1). Last evaluated 2025-03-25.

Conditions:
Inborn genetic diseases. Identifiers: MedGen C0950123, MeSH D030342.
Bethlem myopathy 1A. Also called: Bethlem Muscular Dystrophy; MYOPATHY, BENIGN CONGENITAL, WITH CONTRACTURES; Bethlem myopathy 1. Identifiers: Orphanet 610, MedGen CN029274, MONDO:0024530, OMIM 158810.

Allele frequency attached by ClinVar (database versions not stated): gnomAD 0.00003 and 0.00004; gnomAD exomes 0.00003 and 0.00008; TOPMed 0.00003; ExAC 0.00007.
gnomAD v4.1: 44 of 1,614,150 alleles (0.0027%); highest among the groups gnomAD compares: Middle Eastern, 0.049%; 1 homozygote.

Submissions (4):

Ambry Genetics
Classification: Uncertain significance for Inborn genetic diseases. Last evaluated: 2025-03-25. Review status: criteria provided, single submitter. Criteria: Ambry Variant Classification Scheme 2023. Collection method: clinical testing. Allele origin: germline.

Labcorp Genetics (formerly Invitae), Labcorp
Classification: Likely benign for Bethlem myopathy 1A. Last evaluated: 2025-03-25. Review status: criteria provided, single submitter. Criteria: Invitae Variant Classification Sherloc (09022015). Collection method: clinical testing. Allele origin: germline.

Revvity Omics, Revvity
Classification: Uncertain significance. Last evaluated: 2024-10-28. Review status: criteria provided, single submitter. Criteria: ACMG Guidelines, 2015. Collection method: clinical testing. Allele origin: germline.

Neuberg Centre For Genomic Medicine, NCGM
Classification: Uncertain significance for Bethlem myopathy 1A. Review status: criteria provided, single submitter. Criteria: ACMG Guidelines, 2015. Collection method: clinical testing. Allele origin: germline. Inheritance: Autosomal recessive inheritance. Affected: yes.
Comment: The missense c.8201G>Ap.Arg2734Gln variant in COL6A3 gene has not been reported previously as a pathogenic variant nor as a benign variant, to our knowledge. The variant has been reported with allele frequency of 0.008% in gnomAD Exomes and is novel not in any individuals in 1000 Genomes database. This variant has been reported to the ClinVar database as Likely Benign. The amino acid change p.Arg2734Gln in COL6A3 is predicted as conserved by GERP++ and PhyloP across 100 vertebrates. The amino acid Arg at position 2734 is changed to a Gln changing protein sequence and it might alter its composition and physico-chemical properties. For these reasons, this variant has been classified as Variant of Uncertain Significance VUS.